The following is an entry in ClinVar:

ClinVar aggregate classification (germline): Uncertain significance. Review status: criteria provided, multiple submitters, no conflicts (2 of 4 stars). 2 submissions from 2 submitters: Uncertain significance (2). Last evaluated 2025-11-08.

Conditions:
Colorectal cancer, hereditary nonpolyposis, type 7. Identifiers: Orphanet 144, MedGen C1858380, MONDO:0013725, OMIM 614385.

Submissions (2):

Ambry Genetics
Classification: Uncertain significance. Last evaluated: 2025-11-08. Review status: criteria provided, single submitter. Criteria: Ambry Variant Classification Scheme 2023. Collection method: clinical testing. Allele origin: germline.
Comment: The p.C394Y variant (also known as c.1181G>A), located in coding exon 1 of the MLH3 gene, results from a G to A substitution at nucleotide position 1181. The cysteine at codon 394 is replaced by tyrosine, an amino acid with highly dissimilar properties. This amino acid position is conserved. In addition, the in silico prediction for this alteration is inconclusive. Since supporting evidence is limited at this time, the clinical significance of this alteration remains unclear.

Labcorp Genetics (formerly Invitae), Labcorp
Classification: Uncertain significance for Colorectal cancer, hereditary nonpolyposis, type 7. Last evaluated: 2020-10-15. Review status: criteria provided, single submitter. Criteria: Invitae Variant Classification Sherloc (09022015). Collection method: clinical testing. Allele origin: germline.
Comment: Algorithms developed to predict the effect of missense changes on protein structure and function are either unavailable or do not agree on the potential impact of this missense change (SIFT: "Deleterious"; PolyPhen-2: "Benign"; Align-GVGD: "Class C0"). This variant has not been reported in the literature in individuals with MLH3-related conditions. This variant is not present in population databases (ExAC no frequency). This sequence change replaces cysteine with tyrosine at codon 394 of the MLH3 protein (p.Cys394Tyr). The cysteine residue is moderately conserved and there is a large physicochemical difference between cysteine and tyrosine. In summary, the available evidence is currently insufficient to determine the role of this variant in disease. Therefore, it has been classified as a Variant of Uncertain Significance.

NM_001040108.2(MLH3):c.1181G>A (p.Cys394Tyr)

Gene: MLH3 (mutL homolog 3; minus strand). Cytogenetic location: 14q24.3.
Variant type: single nucleotide variant.
Coding change: c.1181G>A on transcript NM_001040108.2 (MANE Select); coding-DNA position 1181, G replaced by A.
Protein change: p.Cys394Tyr; replaces cysteine 394 with tyrosine.
Molecular consequence: missense variant.
Genome position (GRCh38, 1-based): chr14:75,048,475, C>T on the plus strand (G>A on the coding strand, the complement: MLH3 is on the minus strand). VCF-style: chr14-75048475-C-T. GRCh37 (hg19) VCF-style: chr14-75515178-C-T.
Other names: c.1181G>A, p.Cys394Tyr (NM_014381.3); short protein forms C394Y.
Identifiers: ClinVar variation 1015898 (VCV001015898.12), dbSNP rs1892424087, ClinGen allele CA390447103.
Genomic context (GRCh38, chr14:75,048,475, plus strand): 5'-TTTCTTTTCACAGCTTTTGACTGCAAATTAAACATCTCATAGGAATCTAAAATATTATTA[C>T]ATGCTTCCTGGAAATTGCTCCTCTCATCGGAAGTCACACGCTTCTGAAGAGTAGCATCAA-3'
Protein context (NP_001035197.1, residues 384-404): SDERSNFQEA[Cys394Tyr]NNILDSYEMF